The following is an entry in ClinVar:

NM_004974.4(KCNA2):c.61G>A (p.Asp21Asn)

Gene: KCNA2 (potassium voltage-gated channel subfamily A member 2; minus strand). Cytogenetic location: 1p13.3.
Variant type: single nucleotide variant.
Coding change: c.61G>A on transcript NM_004974.4 (MANE Select); coding-DNA position 61, G replaced by A.
Protein change: p.Asp21Asn; replaces aspartic acid 21 with asparagine.
Molecular consequence: missense variant.
Genome position (GRCh38, 1-based): chr1:110,604,722, C>T on the plus strand (G>A on the coding strand, the complement: KCNA2 is on the minus strand). VCF-style: chr1-110604722-C-T. GRCh37 (hg19) VCF-style: chr1-111147344-C-T.
Other names: c.61G>A, p.Asp21Asn (NM_001204269.2); short protein forms D21N.
Identifiers: ClinVar variation 2093464 (VCV002093464.4), dbSNP rs2524623801, ClinGen allele CA341607234.
Genomic context (GRCh38, chr1:110,604,722, plus strand): 5'-CTGAGATGTTGATCACCACCCTCTCACAGCACTCGTGGTCTGCCTCTGGGTCATAGGTGT[C>T]CTGTGGGTGCCCAGGGAGGGCAGCAGCCTCGTCTGCTGGGTCTCCGGTGGCCACTGTCAT-3'
Protein context (NP_004965.1, residues 11-31): EAAALPGHPQ[Asp21Asn]TYDPEADHEC

ClinVar aggregate classification (germline): Uncertain significance (1 of 4 stars; one submission).

Conditions:
Developmental and epileptic encephalopathy, 32 (DEE32). Also called: Epileptic encephalopathy, early infantile, 32. Identifiers: Orphanet 442835, MedGen C4225350, MONDO:0014607, OMIM 616366.

Submission:

Labcorp Genetics (formerly Invitae), Labcorp
Classification: Uncertain significance for Developmental and epileptic encephalopathy, 32. Last evaluated: 2022-04-04. Review status: criteria provided, single submitter. Criteria: Invitae Variant Classification Sherloc (09022015). Collection method: clinical testing. Allele origin: germline.
Comment: In summary, the available evidence is currently insufficient to determine the role of this variant in disease. Therefore, it has been classified as a Variant of Uncertain Significance. Advanced modeling of protein sequence and biophysical properties (such as structural, functional, and spatial information, amino acid conservation, physicochemical variation, residue mobility, and thermodynamic stability) performed at Invitae indicates that this missense variant is not expected to disrupt KCNA2 protein function. This variant has not been reported in the literature in individuals affected with KCNA2-related conditions. This variant is not present in population databases (gnomAD no frequency). This sequence change replaces aspartic acid, which is acidic and polar, with asparagine, which is neutral and polar, at codon 21 of the KCNA2 protein (p.Asp21Asn).